The following is an entry in ClinVar:

ClinVar aggregate classification (germline): Uncertain significance. Review status: criteria provided, multiple submitters, no conflicts (2 of 4 stars). 2 submissions from 2 submitters: Uncertain significance (2). Last evaluated 2024-10-30.

Conditions:
Episodic kinesigenic dyskinesia (EKD). Also called: Paroxysmal kinesigenic dyskinesia. Identifiers: Orphanet 98809, MedGen C1868682, MONDO:0044202.

Allele frequency attached by ClinVar (database versions not stated): gnomAD exomes 0.00001 and 0.00008; ExAC 0.00002; TOPMed 0.00002; gnomAD 0.00003.

Submissions (2):

Labcorp Genetics (formerly Invitae), Labcorp
Classification: Uncertain significance for Episodic kinesigenic dyskinesia. Last evaluated: 2024-10-30. Review status: criteria provided, single submitter. Criteria: Invitae Variant Classification Sherloc (09022015). Collection method: clinical testing. Allele origin: germline.
Comment: This sequence change replaces alanine, which is neutral and non-polar, with threonine, which is neutral and polar, at codon 139 of the PRRT2 protein (p.Ala139Thr). This variant is present in population databases (rs763634807, gnomAD 0.002%). This variant has not been reported in the literature in individuals affected with PRRT2-related conditions. ClinVar contains an entry for this variant (Variation ID: 206683). Invitae Evidence Modeling of protein sequence and biophysical properties (such as structural, functional, and spatial information, amino acid conservation, physicochemical variation, residue mobility, and thermodynamic stability) indicates that this missense variant is not expected to disrupt PRRT2 protein function with a negative predictive value of 95%. In summary, the available evidence is currently insufficient to determine the role of this variant in disease. Therefore, it has been classified as a Variant of Uncertain Significance.

GeneDx
Classification: Uncertain significance. Last evaluated: 2021-03-10. Review status: criteria provided, single submitter. Criteria: GeneDx Variant Classification Process June 2021. Collection method: clinical testing. Allele origin: germline. Affected: yes.
Comment: Has not been previously published as pathogenic or benign to our knowledge; Not observed at a significant frequency in large population cohorts (Lek et al., 2016); In silico analysis supports that this missense variant does not alter protein structure/function

NM_145239.3(PRRT2):c.415G>A (p.Ala139Thr)

Genes: MVP-DT (MVP divergent transcript; minus strand), PRRT2 (proline rich transmembrane protein 2; plus strand). Cytogenetic location: 16p11.2.
Variant type: single nucleotide variant.
Coding change: c.415G>A on transcript NM_145239.3 (MANE Select); coding-DNA position 415, G replaced by A.
Protein change: p.Ala139Thr; replaces alanine 139 with threonine.
Molecular consequence: missense variant.
Genome position (GRCh38, 1-based): chr16:29,813,469, G>A. VCF-style: chr16-29813469-G-A. GRCh37 (hg19) VCF-style: chr16-29824790-G-A.
Other names: p.A139T:GCT>ACT; c.415G>A, p.Ala139Thr (NM_001256442.2, NM_001256443.2); short protein forms A139T.
Identifiers: ClinVar variation 206683 (VCV000206683.12), dbSNP rs763634807, ClinGen allele CA317019.
Genomic context (GRCh38, chr16:29,813,469, plus strand): 5'-ACTGCAGACCAGGGGTCCAGGCTGGAGTCTGCAGCCCCACCTGAACCAGCCCCAGAGCCT[G>A]CTCCCCAACCAGACCCCCGGCCAGATTCCCAGCCTACCCCCAAGCCAGCCCTTCAACCAG-3'
Protein context (NP_660282.2, residues 129-149): AAPPEPAPEP[Ala139Thr]PQPDPRPDSQ